The following is an entry in ClinVar:

ClinVar aggregate classification (germline): Uncertain significance (1 of 4 stars; one submission).

Conditions:
Hypertrophic cardiomyopathy. Also called: HYPERTROPHIC MYOCARDIOPATHY. Identifiers: Orphanet 217569, MedGen C0007194, MeSH D002312, MONDO:0005045, HP:0001639.

Allele frequency attached by ClinVar (database versions not stated): gnomAD 0.00001; ExAC 0.00013.
gnomAD v4.1: 12 of 1,524,316 alleles (0.00079%); highest among the groups gnomAD compares: South Asian, 0.0076%; no homozygotes.

Submission:

All of Us Research Program, National Institutes of Health
Classification: Uncertain significance for Hypertrophic cardiomyopathy. Last evaluated: 2023-08-28. Review status: criteria provided, single submitter. Criteria: ACMG Guidelines, 2015. Collection method: clinical testing. Allele origin: germline. Inheritance: Autosomal dominant inheritance. Observed: 2 variant alleles, 2 heterozygotes.
Comment: This missense variant replaces proline with leucine at codon 108 of the MYBPC3 protein. Computational prediction suggests that this variant may not impact protein structure and function (internally defined REVEL score threshold <= 0.5, PMID: 27666373). To our knowledge, functional studies have not been reported for this variant. This variant has not been reported in individuals affected with MYBPC3-related disorders in the literature. This variant has been identified in 6/129108 chromosomes in the general population by the Genome Aggregation Database (gnomAD). The available evidence is insufficient to determine the role of this variant in disease conclusively. Therefore, this variant is classified as a Variant of Uncertain Significance.

This study involves interpretation of variants in research participants for the purpose of population health screening. Participant phenotype was not available at the time of variant classification. Additional details can be found in publication PMID: 35346344, PMCID: PMC8962531

NM_000256.3(MYBPC3):c.323C>T (p.Pro108Leu)

Gene: MYBPC3 (myosin binding protein C3; minus strand). Cytogenetic location: 11p11.2.
Variant type: single nucleotide variant.
Coding change: c.323C>T on transcript NM_000256.3 (MANE Select); coding-DNA position 323, C replaced by T.
Protein change: p.Pro108Leu; replaces proline 108 with leucine.
Molecular consequence: missense variant.
Genome position (GRCh38, 1-based): chr11:47,350,585, G>A on the plus strand (C>T on the coding strand, the complement: MYBPC3 is on the minus strand). VCF-style: chr11-47350585-G-A. GRCh37 (hg19) VCF-style: chr11-47372136-G-A.
Other names: short protein forms P108L.
Identifiers: ClinVar variation 3072893 (VCV003072893.1), dbSNP rs772678776, ClinGen allele CA053197.